The following is an entry in ClinVar:

ClinVar aggregate classification (germline): Pathogenic/Likely pathogenic. Review status: criteria provided, multiple submitters, no conflicts (2 of 4 stars). 2 submissions from 2 submitters: Pathogenic (1); Likely pathogenic (1). Last evaluated 2025-06-13.

Conditions:
Charcot-Marie-Tooth disease type 4. Also called: Charcot-Marie-Tooth, Type 4; Charcot-Marie-Tooth disease, type IV. Identifiers: Orphanet 64749, MedGen C4082197, MONDO:0018995.
Charcot-Marie-Tooth disease type 4D. Also called: Charcot-Marie-Tooth Neuropathy Type 4D; CHARCOT-MARIE-TOOTH DISEASE, DEMYELINATING, AUTOSOMAL RECESSIVE, TYPE 4D; CHARCOT-MARIE-TOOTH DISEASE, DEMYELINATING, TYPE 4D; NEUROPATHY, HEREDITARY MOTOR AND SENSORY, LOM TYPE. Identifiers: Orphanet 99950, MedGen C1832334, MONDO:0011085, OMIM 601455.

Submissions (2):

Natera, Inc.
Classification: Likely pathogenic for Charcot-Marie-Tooth disease type 4D. Last evaluated: 2025-06-13. Review status: criteria provided, single submitter. Criteria: Natera Variant Classification Schema (03/2026). Collection method: clinical testing. Allele origin: germline.
Comment: The c.510_511insTGTGTGGA variant in NDRG1 is a frameshift variant predicted to shift the reading frame beginning at codon 171 and leads to a stop codon 49 codons downstream. This variant is expected to result in nonsense mediated decay, truncation, or a dysfunctional protein product. This variant is rare in the general population with a frequency below the threshold expected for the associated phenotype(s). Given the available evidence, this variant is classified as Likely Pathogenic.

Labcorp Genetics (formerly Invitae), Labcorp
Classification: Pathogenic for Charcot-Marie-Tooth disease type 4. Last evaluated: 2023-08-16. Review status: criteria provided, single submitter. Criteria: Invitae Variant Classification Sherloc (09022015). Collection method: clinical testing. Allele origin: germline.
Comment: This sequence change creates a premature translational stop signal (p.Gly171Cysfs*49) in the NDRG1 gene. It is expected to result in an absent or disrupted protein product. Loss-of-function variants in NDRG1 are known to be pathogenic (PMID: 12872253, 23996628). For these reasons, this variant has been classified as Pathogenic. This variant has not been reported in the literature in individuals affected with NDRG1-related conditions. This variant is not present in population databases (gnomAD no frequency).

Literature cited by the submitters: PubMed 12872253 (cited by Labcorp Genetics (formerly Invitae), Labcorp); PubMed 23996628 (cited by Labcorp Genetics (formerly Invitae), Labcorp).

NM_006096.4(NDRG1):c.510_511insTGTGTGGA (p.Gly171fs)

Gene: NDRG1 (N-myc downstream regulated 1; minus strand). Cytogenetic location: 8q24.22.
Variant type: Insertion.
Coding change: c.510_511insTGTGTGGA on transcript NM_006096.4 (MANE Select); coding-DNA positions 510 to 511, TGTGTGGA inserted.
Protein change: p.Gly171fs; shifts the reading frame from glycine 171.
Molecular consequence: frameshift variant.
Genome position: GRCh38 VCF-style: chr8-133256803-C-CTCCACACA. GRCh37 (hg19) VCF-style: chr8-134269046-C-CTCCACACA.
Other names: c.510_511insTGTGTGGA, p.Gly171fs (NM_001135242.2, NM_001374844.1, NM_001374845.1 and 1 more transcripts); c.312_313insTGTGTGGA, p.Gly105fs (NM_001258432.2, NM_001374847.1); c.267_268insTGTGTGGA, p.Gly90fs (NM_001258433.2); c.510_511insTGTGTGGA (NM_006096.3); short protein forms G105fs, G90fs, G171fs.
Identifiers: ClinVar variation 2752793 (VCV002752793.4), dbSNP rs2538050254, ClinGen allele CA2688672769.
Genomic context (GRCh38, chr8:133,256,803, plus strand): 5'-GGGATCCCGCCGGCCTGACAGGCCCCCACCTCACCTTGGAGGCGGCCCAGTCCATCCAGC[C>CTCCACACA]TTCCGCACAAGGGTTCACGTTGATAAGGACAAGGCCCTCCACCATCTCAGGGTTGTTTAG-3'